The following is an entry in ClinVar:

ClinVar aggregate classification (germline): Conflicting classifications of pathogenicity. Review status: criteria provided, conflicting classifications (1 of 4 stars). 4 submissions from 4 submitters: Likely pathogenic (2); Uncertain significance (2). Last evaluated 2024-05-16.

Conditions:
Multiple acyl-CoA dehydrogenase deficiency (MADD). Also called: ETHYLMALONIC-ADIPICACIDURIA; GA II; Glutaric acidemia type II; GA 2; Glutaric aciduria, type 2; Glutaric Acidemia type 2. Identifiers: Orphanet 26791, MedGen C0268596, MONDO:0009282, OMIM 231680.

Submissions (4):

Women's Health and Genetics/Laboratory Corporation of America, LabCorp
Classification: Uncertain significance. Last evaluated: 2024-05-16. Review status: criteria provided, single submitter. Criteria: LabCorp Variant Classification Summary - May 2015. Collection method: clinical testing. Allele origin: germline.
Comment: Variant summary: ETFDH c.786G>T (p.Leu262Phe) results in a non-conservative amino acid change in the encoded protein sequence. Five of five in-silico tools predict a damaging effect of the variant on protein function. The variant was absent in 251324 control chromosomes. c.786G>T has been reported in the literature in one individual affected with Glutaric Aciduria, Type 2c (Goodman_2002). These data indicate that the variant may be associated with disease. To our knowledge, no experimental evidence demonstrating an impact on protein function has been reported. The following publication have been ascertained in the context of this evaluation (PMID: 12359134). ClinVar contains an entry for this variant (Variation ID: 1028249). Based on the evidence outlined above, the variant was classified as VUS-possibly pathogenic.

Genomic Medicine Center of Excellence, King Faisal Specialist Hospital and Research Centre
Classification: Likely pathogenic for Multiple acyl-CoA dehydrogenase deficiency. Last evaluated: 2024-04-04. Review status: criteria provided, single submitter. Criteria: ACMG Guidelines, 2015. Collection method: clinical testing. Allele origin: germline.

Baylor Genetics
Classification: Likely pathogenic for Multiple acyl-CoA dehydrogenase deficiency. Last evaluated: 2023-11-20. Review status: criteria provided, single submitter. Criteria: ACMG Guidelines, 2015. Collection method: clinical testing. Allele origin: unknown.

Labcorp Genetics (formerly Invitae), Labcorp
Classification: Uncertain significance for Multiple acyl-CoA dehydrogenase deficiency. Last evaluated: 2022-07-19. Review status: criteria provided, single submitter. Criteria: Invitae Variant Classification Sherloc (09022015). Collection method: clinical testing. Allele origin: germline.
Comment: This sequence change replaces leucine, which is neutral and non-polar, with phenylalanine, which is neutral and non-polar, at codon 262 of the ETFDH protein (p.Leu262Phe). This variant is not present in population databases (gnomAD no frequency). This missense change has been observed in individual(s) with glutaric acidemia type II (PMID: 12359134). ClinVar contains an entry for this variant (Variation ID: 1028249). Advanced modeling of protein sequence and biophysical properties (such as structural, functional, and spatial information, amino acid conservation, physicochemical variation, residue mobility, and thermodynamic stability) performed at Invitae indicates that this missense variant is expected to disrupt ETFDH protein function. Studies have shown that this missense change alters ETFDH gene expression (PMID: 12359134). In summary, the available evidence is currently insufficient to determine the role of this variant in disease. Therefore, it has been classified as a Variant of Uncertain Significance.

Literature cited by the submitters: PubMed 12359134 (cited by Women's Health and Genetics/Laboratory Corporation of America, LabCorp and Labcorp Genetics (formerly Invitae), Labcorp).

NM_004453.4(ETFDH):c.786G>T (p.Leu262Phe)

Gene: ETFDH (electron transfer flavoprotein dehydrogenase; plus strand). Cytogenetic location: 4q32.1.
Variant type: single nucleotide variant.
Coding change: c.786G>T on transcript NM_004453.4 (MANE Select); coding-DNA position 786, G replaced by T.
Protein change: p.Leu262Phe; replaces leucine 262 with phenylalanine.
Molecular consequence: missense variant.
Genome position (GRCh38, 1-based): chr4:158,695,598, G>T. VCF-style: chr4-158695598-G-T. GRCh37 (hg19) VCF-style: chr4-159616750-G-T.
Other names: c.645G>T, p.Leu215Phe (NM_001281737.2); c.603G>T, p.Leu201Phe (NM_001281738.1); short protein forms L262F, L201F, L215F.
Identifiers: ClinVar variation 1028249 (VCV001028249.7), dbSNP rs1450977775, ClinGen allele CA358560898.